The following is an entry in ClinVar:

NM_012469.4(PRPF6):c.71+6_71+7delinsAA

Genes: PRPF6 (pre-mRNA processing factor 6; plus strand), LOC130066413 (ATAC-STARR-seq lymphoblastoid silent region 13198; plus strand). Cytogenetic location: 20q13.33.
Variant type: Indel.
Coding change: c.71+6_71+7delinsAA on transcript NM_012469.4 (MANE Select); bases 6 to 7 of the intron after coding-DNA position 71, GC replaced by AA.
Molecular consequence: intron variant.
Genome position (GRCh38, 1-based): chr20:63,981,322-63,981,323, GC replaced by AA. VCF-style: chr20-63981322-GC-AA. GRCh37 (hg19) VCF-style: chr20-62612675-GC-AA.
Identifiers: ClinVar variation 1425292 (VCV001425292.6), dbSNP rs2122960415, ClinGen allele CA2573157253.

ClinVar aggregate classification (germline): Uncertain significance (1 of 4 stars; one submission).

Submission:

Labcorp Genetics (formerly Invitae), Labcorp
Classification: Uncertain significance. Last evaluated: 2023-11-27. Review status: criteria provided, single submitter. Criteria: Invitae Variant Classification Sherloc (09022015). Collection method: clinical testing. Allele origin: germline.
Comment: This sequence change falls in intron 1 of the PRPF6 gene. It does not directly change the encoded amino acid sequence of the PRPF6 protein. It affects a nucleotide within the consensus splice site. Information on the frequency of this variant in the gnomAD database is not available, as this variant may be reported differently in the database. This variant has not been reported in the literature in individuals affected with PRPF6-related conditions. ClinVar contains an entry for this variant (Variation ID: 1425292). Variants that disrupt the consensus splice site are a relatively common cause of aberrant splicing (PMID: 17576681, 9536098). In summary, the available evidence is currently insufficient to determine the role of this variant in disease. Therefore, it has been classified as a Variant of Uncertain Significance.

Literature cited by the submitters: PubMed 17576681; PubMed 9536098.